The following is an entry in ClinVar:

ClinVar aggregate classification (germline): Pathogenic (1 of 4 stars; one submission).

Submission:

Labcorp Genetics (formerly Invitae), Labcorp
Classification: Pathogenic. Last evaluated: 2024-08-06. Review status: criteria provided, single submitter. Criteria: Invitae Variant Classification Sherloc (09022015). Collection method: clinical testing. Allele origin: germline.
Comment: This sequence change affects an acceptor splice site in intron 45 of the ABCA4 gene. It is expected to disrupt RNA splicing. Variants that disrupt the donor or acceptor splice site typically lead to a loss of protein function (PMID: 16199547), and loss-of-function variants in ABCA4 are known to be pathogenic (PMID: 10958761, 24938718, 25312043, 26780318). This variant is not present in population databases (gnomAD no frequency). Disruption of this splice site has been observed in individuals with cone dystrophy or Stargardt disease (Invitae). ClinVar contains an entry for this variant (Variation ID: 846607). Algorithms developed to predict the effect of sequence changes on RNA splicing suggest that this variant may disrupt the consensus splice site. For these reasons, this variant has been classified as Pathogenic.

Literature cited by the submitters: PubMed 16199547; PubMed 10958761; PubMed 24938718; PubMed 25312043; PubMed 26780318.

NM_000350.3(ABCA4):c.6283-1G>C

Gene: ABCA4 (ATP binding cassette subfamily A member 4; minus strand). Cytogenetic location: 1p22.1.
Variant type: single nucleotide variant.
Coding change: c.6283-1G>C on transcript NM_000350.3 (MANE Select); the canonical splice acceptor site of the intron before coding-DNA position 6283, G replaced by C.
Molecular consequence: splice acceptor variant.
Genome position (GRCh38, 1-based): chr1:94,001,106, C>G on the plus strand (G>C on the coding strand, the complement: ABCA4 is on the minus strand). VCF-style: chr1-94001106-C-G. GRCh37 (hg19) VCF-style: chr1-94466662-C-G.
Identifiers: ClinVar variation 846607 (VCV000846607.10), dbSNP rs1410550128, ClinGen allele CA341277641.